The following is an entry in ClinVar:

ClinVar aggregate classification (germline): Benign/Likely benign. Review status: criteria provided, multiple submitters, no conflicts (2 of 4 stars). 3 submissions from 3 submitters: Benign (1); Likely benign (1). 1 of the submissions does not count toward it. Last evaluated 2025-01-24.

Conditions:
RYR3-related disorder. Also called: RYR3-related condition.
Epileptic encephalopathy. Identifiers: MedGen C0543888, HP:0200134.

Allele frequency attached by ClinVar (database versions not stated): 1000 Genomes Project 0.00200; 1000 Genomes Project 30x 0.00203; gnomAD exomes 0.00017 and 0.00045; ExAC 0.00063; ESP Exome Variant Server 0.00138; gnomAD 0.00176 and 0.00189; TOPMed 0.00189.
gnomAD v4.1: 513 of 1,516,424 alleles (0.034%); highest among the groups gnomAD compares: African/African-American, 0.62%; no homozygotes.

Submissions (3):

Labcorp Genetics (formerly Invitae), Labcorp
Classification: Benign for Epileptic encephalopathy. Last evaluated: 2025-01-24. Review status: criteria provided, single submitter. Criteria: Invitae Variant Classification Sherloc (09022015). Collection method: clinical testing. Allele origin: germline.

Breakthrough Genomics
Classification: Likely benign. Review status: criteria provided, single submitter. Criteria: ACMG Guidelines, 2015. Collection method: not provided. Allele origin: germline. Inheritance: Unknown mechanism. Affected: yes.

PreventionGenetics, part of Exact Sciences
Classification: Likely benign for RYR3-related condition. Last evaluated: 2019-07-12. Review status: no assertion criteria provided. Collection method: clinical testing. Allele origin: germline. Not counted in ClinVar's aggregate classification.
Comment: This variant is classified as likely benign based on ACMG/AMP sequence variant interpretation guidelines (Richards et al. 2015 PMID: 25741868, with internal and published modifications).

NM_001036.6(RYR3):c.1788+10G>C

Gene: RYR3 (ryanodine receptor 3; plus strand). Cytogenetic location: 15q14.
Variant type: single nucleotide variant.
Coding change: c.1788+10G>C on transcript NM_001036.6 (MANE Select); 10 bases into the intron after coding-DNA position 1788, G replaced by C.
Molecular consequence: intron variant.
Genome position (GRCh38, 1-based): chr15:33,586,126, G>C. VCF-style: chr15-33586126-G-C. GRCh37 (hg19) VCF-style: chr15-33878327-G-C.
Other names: c.1788+10G>C (NM_001243996.4).
Identifiers: ClinVar variation 461885 (VCV000461885.15), dbSNP rs146892882, ClinGen allele CA7458236.